The following is an entry in ClinVar:

ClinVar aggregate classification (germline): Uncertain significance. Review status: criteria provided, multiple submitters, no conflicts (2 of 4 stars). 3 submissions from 3 submitters: Uncertain significance (2). 1 of the submissions does not count toward it. Last evaluated 2025-11-15.

Conditions:
Hereditary cancer-predisposing syndrome. Also called: Hereditary Cancer Syndrome; Hereditary neoplastic syndrome; Tumor predisposition; Neoplastic Syndromes, Hereditary. Identifiers: Orphanet 140162, MedGen C0027672, MeSH D009386, MONDO:0015356.
Familial cancer of breast. Also called: BREAST CANCER, FAMILIAL; hereditary breast carcinoma; Hereditary breast cancer. Identifiers: Orphanet 227535, MedGen C0346153, MONDO:0016419, OMIM 114480. Disease mechanism: loss of function.
Carcinoma of colon (CRC). Also called: Colonic carcinoma; Colon carcinoma. Identifiers: MedGen C0699790, MONDO:0002032.

Allele frequency attached by ClinVar (database versions not stated): gnomAD exomes below 0.00001 and 0.00001; TOPMed below 0.00001; gnomAD 0.00001.
gnomAD v4.1: 9 of 1,613,686 alleles (0.00056%); highest among the groups gnomAD compares: Non-Finnish European, 0.00076%; no homozygotes.

Submissions (3):

Ambry Genetics
Classification: Uncertain significance for Hereditary cancer-predisposing syndrome. Last evaluated: 2025-11-15. Review status: criteria provided, single submitter. Criteria: Ambry Variant Classification Scheme 2023. Collection method: clinical testing. Allele origin: germline.
Comment: The p.S574P variant (also known as c.1720T>C), located in coding exon 5 of the PALB2 gene, results from a T to C substitution at nucleotide position 1720. The serine at codon 574 is replaced by proline, an amino acid with similar properties. This amino acid position is not well conserved in available vertebrate species. In addition, this alteration is predicted to be tolerated by in silico analysis. Since supporting evidence is limited at this time, the clinical significance of this alteration remains unclear.

Labcorp Genetics (formerly Invitae), Labcorp
Classification: Uncertain significance for Familial cancer of breast. Last evaluated: 2025-05-08. Review status: criteria provided, single submitter. Criteria: Invitae Variant Classification Sherloc (09022015). Collection method: clinical testing. Allele origin: germline.
Comment: This sequence change replaces serine, which is neutral and polar, with proline, which is neutral and non-polar, at codon 574 of the PALB2 protein (p.Ser574Pro). This variant is present in population databases (no rsID available, gnomAD 0.002%). This variant has not been reported in the literature in individuals affected with PALB2-related conditions. ClinVar contains an entry for this variant (Variation ID: 1007445). Invitae Evidence Modeling of protein sequence and biophysical properties (such as structural, functional, and spatial information, amino acid conservation, physicochemical variation, residue mobility, and thermodynamic stability) indicates that this missense variant is not expected to disrupt PALB2 protein function with a negative predictive value of 80%. In summary, the available evidence is currently insufficient to determine the role of this variant in disease. Therefore, it has been classified as a Variant of Uncertain Significance.

Department of Pathology and Laboratory Medicine, Sinai Health System
Classification: Uncertain significance for Carcinoma of colon. Review status: no assertion criteria provided. Collection method: clinical testing. Allele origin: unknown. Affected: yes. Study: The Canadian Open Genetics Repository (COGR). Not counted in ClinVar's aggregate classification.
Comment: The PALB2 p.Ser574Pro variant was not identified in the literature nor was it identified in the dbSNP, ClinVar, or LOVD 3.0 databases. The variant was identified in control databases in 2 of 275486 chromosomes at a frequency of 0.000007 (Genome Aggregation Database Feb 27, 2017). The variant was observed in the following populations: European Non-Finnish in 2 of 125558 chromosomes (freq: 0.000016), while the variant was not observed in the African, Other, Latino, Ashkenazi Jewish, East Asian, European Finnish, and South Asian populations. The p.Ser574Pro residue is not conserved in mammals and four out of five computational analyses (PolyPhen-2, SIFT, AlignGVGD, BLOSUM, MutationTaster) do not suggest a high likelihood of impact to the protein; however this information is not predictive enough to rule out pathogenicity. The variant occurs outside of the splicing consensus sequence and in silico or computational prediction software programs (SpliceSiteFinder, MaxEntScan, NNSPLICE, GeneSplicer) do not predict a difference in splicing. In summary, based on the above information the clinical significance of this variant cannot be determined with certainty at this time. This variant is classified as a variant of uncertain significance.

NM_024675.4(PALB2):c.1720T>C (p.Ser574Pro)

Gene: PALB2 (partner and localizer of BRCA2; minus strand). Cytogenetic location: 16p12.2.
Variant type: single nucleotide variant.
Coding change: c.1720T>C on transcript NM_024675.4 (MANE Select); coding-DNA position 1720, T replaced by C.
Protein change: p.Ser574Pro; replaces serine 574 with proline.
Molecular consequence: missense variant.
Genome position (GRCh38, 1-based): chr16:23,630,434, A>G on the plus strand (T>C on the coding strand, the complement: PALB2 is on the minus strand). VCF-style: chr16-23630434-A-G. GRCh37 (hg19) VCF-style: chr16-23641755-A-G.
Other names: short protein forms S574P.
Identifiers: ClinVar variation 1007445 (VCV001007445.11), dbSNP rs1214293842, ClinGen allele CA395128378.